The following is an entry in ClinVar:

NM_022065.5(THADA):c.2497G>A (p.Ala833Thr)

Gene: THADA (THADA armadillo repeat containing; minus strand). Cytogenetic location: 2p21.
Variant type: single nucleotide variant.
Coding change: c.2497G>A on transcript NM_022065.5 (MANE Select); coding-DNA position 2497, G replaced by A.
Protein change: p.Ala833Thr; replaces alanine 833 with threonine.
Molecular consequence: missense variant. On other transcripts: non-coding transcript variant (2).
Genome position (GRCh38, 1-based): chr2:43,556,522, C>T on the plus strand (G>A on the coding strand, the complement: THADA is on the minus strand). VCF-style: chr2-43556522-C-T. GRCh37 (hg19) VCF-style: chr2-43783661-C-T.
Other names: c.2497G>A, p.Ala833Thr (NM_001083953.2, NM_001271643.2, NM_001271644.2 and 2 more transcripts); c.2377G>A, p.Ala793Thr (NM_001345924.2); c.1627G>A, p.Ala543Thr (NM_198554.1); short protein forms A543T, A793T, A833T.
Identifiers: ClinVar variation 3035054 (VCV003035054.3), dbSNP rs371803409, ClinGen allele CA1632926.

ClinVar aggregate classification (germline): Conflicting classifications of pathogenicity. Review status: no assertion criteria provided (0 of 4 stars). 2 submissions from 2 submitters: Uncertain significance (1); Likely benign (1). Last evaluated 2024-06-03.

Conditions:
THADA-related disorder. Also called: THADA-related condition.
Meniere disease. Also called: Ménière's disease. Identifiers: MedGen C0025281, MONDO:0007972, OMIM 156000.

Allele frequency attached by ClinVar (database versions not stated): gnomAD exomes 0.00008; ExAC 0.00014; gnomAD 0.00014; TOPMed 0.00014; ESP Exome Variant Server 0.00016.
gnomAD v4.1: 153 of 1,613,698 alleles (0.0095%); highest among the groups gnomAD compares: Middle Eastern, 0.016%; no homozygotes.

Submissions (2):

Center for Computational Biology & Bioinformatics, University of California, San Diego
Classification: Uncertain significance for Meniere disease. Last evaluated: 2024-06-03. Review status: no assertion criteria provided. Collection method: research. Allele origin: germline. Affected: yes.

PreventionGenetics, part of Exact Sciences
Classification: Likely benign for THADA-related condition. Last evaluated: 2019-08-09. Review status: no assertion criteria provided. Collection method: clinical testing. Allele origin: germline.
Comment: This variant is classified as likely benign based on ACMG/AMP sequence variant interpretation guidelines (Richards et al. 2015 PMID: 25741868, with internal and published modifications).